The following is an entry in ClinVar:

ClinVar aggregate classification (germline): Uncertain significance (1 of 4 stars; one submission).

Conditions:
Familial hypocalciuric hypercalcemia (FHH). Also called: Familial benign hypercalcemia. Identifiers: Orphanet 405, MedGen C1809471, MONDO:0018458.
Autosomal dominant hypocalcemia 1 (HYPOC1). Also called: HYPOCALCEMIA, FAMILIAL. Identifiers: MedGen C3715128, MONDO:0011013, OMIM 601198.

Allele frequency attached by ClinVar (database versions not stated): TOPMed below 0.00001; gnomAD 0.00001.
gnomAD v4.1: 1 of 1,614,078 alleles (0.000062%); highest among the groups gnomAD compares: East Asian, 0.0022%; no homozygotes.

Submission:

Labcorp Genetics (formerly Invitae), Labcorp
Classification: Uncertain significance for Familial hypocalciuric hypercalcemia; Autosomal dominant hypocalcemia 1. Last evaluated: 2022-05-29. Review status: criteria provided, single submitter. Criteria: Invitae Variant Classification Sherloc (09022015). Collection method: clinical testing. Allele origin: germline.
Comment: This sequence change replaces serine, which is neutral and polar, with asparagine, which is neutral and polar, at codon 175 of the CASR protein (p.Ser175Asn). This variant is not present in population databases (gnomAD no frequency). This variant has not been reported in the literature in individuals affected with CASR-related conditions. Algorithms developed to predict the effect of missense changes on protein structure and function (SIFT, PolyPhen-2, Align-GVGD) all suggest that this variant is likely to be disruptive. In summary, the available evidence is currently insufficient to determine the role of this variant in disease. Therefore, it has been classified as a Variant of Uncertain Significance.

NM_000388.4(CASR):c.524G>A (p.Ser175Asn)

Gene: CASR (calcium sensing receptor; plus strand). Cytogenetic location: 3q21.1.
Variant type: single nucleotide variant.
Coding change: c.524G>A on transcript NM_000388.4 (MANE Select); coding-DNA position 524, G replaced by A.
Protein change: p.Ser175Asn; replaces serine 175 with asparagine.
Molecular consequence: missense variant.
Genome position (GRCh38, 1-based): chr3:122,261,559, G>A. VCF-style: chr3-122261559-G-A. GRCh37 (hg19) VCF-style: chr3-121980406-G-A.
Other names: c.524G>A, p.Ser175Asn (NM_001178065.2); short protein forms S175N.
Identifiers: ClinVar variation 2418844 (VCV002418844.7), dbSNP rs1440698174, ClinGen allele CA354150770.